The following is an entry in ClinVar:

NM_000179.3(MSH6):c.2677C>G (p.Leu893Val)

Gene: MSH6 (mutS homolog 6; plus strand). Cytogenetic location: 2p16.3.
Variant type: single nucleotide variant.
Coding change: c.2677C>G on transcript NM_000179.3 (MANE Select); coding-DNA position 2677, C replaced by G.
Protein change: p.Leu893Val; replaces leucine 893 with valine.
Molecular consequence: missense variant.
Genome position (GRCh38, 1-based): chr2:47,800,660, C>G. VCF-style: chr2-47800660-C-G. GRCh37 (hg19) VCF-style: chr2-48027799-C-G.
Other names: c.2287C>G, p.Leu763Val (NM_001281492.2); c.1771C>G, p.Leu591Val (NM_001281493.2, NM_001281494.2); short protein forms L893V, L591V, L763V.
Identifiers: ClinVar variation 439203 (VCV000439203.16), dbSNP rs370754319, ClinGen allele CA069423.
Genomic context (GRCh38, chr2:47,800,660, plus strand): 5'-GGGATCATGGAAGAAGTTGCTGATGGTTTTAAGTCTAAAATCCTTAAGCAGGTCATCTCT[C>G]TGCAGACAAAAAATCCTGAAGGTCGTTTTCCTGATTTGACTGTAGAATTGAACCGATGGG-3'
Protein context (NP_000170.1, residues 883-903): KSKILKQVIS[Leu893Val]QTKNPEGRFP

ClinVar aggregate classification (germline): Conflicting classifications of pathogenicity. Review status: criteria provided, conflicting classifications (1 of 4 stars). 5 submissions from 5 submitters: Uncertain significance (4); Benign (1). Last evaluated 2025-05-27.

Conditions:
Hereditary cancer-predisposing syndrome. Also called: Hereditary neoplastic syndrome; Hereditary Cancer Syndrome; Tumor predisposition; Neoplastic Syndromes, Hereditary. Identifiers: Orphanet 140162, MedGen C0027672, MeSH D009386, MONDO:0015356.
Hereditary nonpolyposis colorectal neoplasms. Identifiers: MedGen C0009405, MeSH D003123.
Lynch syndrome. Identifiers: Orphanet 144, MedGen C4552100, MONDO:0005835. Disease mechanism: loss of function.

Allele frequency attached by ClinVar (database versions not stated): TOPMed below 0.00001; ExAC 0.00001; gnomAD 0.00001; ESP Exome Variant Server 0.00008.

Submissions (5):

Labcorp Genetics (formerly Invitae), Labcorp
Classification: Benign for Hereditary nonpolyposis colorectal neoplasms. Last evaluated: 2025-05-27. Review status: criteria provided, single submitter. Criteria: Invitae Variant Classification Sherloc (09022015). Collection method: clinical testing. Allele origin: germline.

All of Us Research Program, National Institutes of Health
Classification: Uncertain significance for Lynch syndrome. Last evaluated: 2023-11-20. Review status: criteria provided, single submitter. Criteria: ACMG Guidelines, 2015. Collection method: clinical testing. Allele origin: germline. Inheritance: Autosomal dominant inheritance. Observed: 1 variant allele, 1 heterozygote.
Comment: This missense variant replaces leucine with valine at codon 893 of the MSH6 protein. Computational prediction suggests that this variant may not impact protein structure and function (internally defined REVEL score threshold <= 0.5, PMID: 27666373). To our knowledge, functional studies have not been reported for this variant. This variant has not been reported in individuals affected with MSH6-related disorders in the literature. This variant has been identified in 1/31390 chromosomes in the general population by the Genome Aggregation Database (gnomAD). The available evidence is insufficient to determine the role of this variant in disease conclusively. Therefore, this variant is classified as a Variant of Uncertain Significance.

This study involves interpretation of variants in research participants for the purpose of population health screening. Participant phenotype was not available at the time of variant classification. Additional details can be found in publication PMID: 35346344, PMCID: PMC8962531

Color Diagnostics, LLC DBA Color Health
Classification: Uncertain significance for Hereditary cancer-predisposing syndrome. Last evaluated: 2023-11-02. Review status: criteria provided, single submitter. Criteria: ACMG Guidelines, 2015. Collection method: clinical testing. Allele origin: germline.
Comment: This missense variant replaces leucine with valine at codon 893 of the MSH6 protein. Computational prediction suggests that this variant may not impact protein structure and function (internally defined REVEL score threshold <= 0.5, PMID: 27666373). To our knowledge, functional studies have not been reported for this variant. This variant has not been reported in individuals affected with MSH6-related disorders in the literature. This variant has been identified in 1/31390 chromosomes in the general population by the Genome Aggregation Database (gnomAD). The available evidence is insufficient to determine the role of this variant in disease conclusively. Therefore, this variant is classified as a Variant of Uncertain Significance.

Ambry Genetics
Classification: Uncertain significance for Hereditary cancer-predisposing syndrome. Last evaluated: 2023-08-19. Review status: criteria provided, single submitter. Criteria: Ambry Variant Classification Scheme 2023. Collection method: clinical testing. Allele origin: germline.
Comment: The p.L893V variant (also known as c.2677C>G), located in coding exon 4 of the MSH6 gene, results from a C to G substitution at nucleotide position 2677. The leucine at codon 893 is replaced by valine, an amino acid with highly similar properties. This amino acid position is not well conserved in available vertebrate species. In addition, this alteration is predicted to be tolerated by in silico analysis. Since supporting evidence is limited at this time, the clinical significance of this alteration remains unclear.

Quest Diagnostics Nichols Institute San Juan Capistrano
Classification: Uncertain significance. Last evaluated: 2016-11-21. Review status: criteria provided, single submitter. Criteria: Quest Diagnostics criteria. Collection method: clinical testing. Allele origin: germline.

Literature cited by the submitters: PubMed 23621914 (cited by Quest Diagnostics Nichols Institute San Juan Capistrano).